The following is an entry in ClinVar:

ClinVar aggregate classification (germline): Uncertain significance (1 of 4 stars; one submission).

Conditions:
Neuronopathy, distal hereditary motor, autosomal recessive 5. Also called: Spinal muscular atrophy, distal, autosomal recessive, 5; Young adult-onset distal hereditary motor neuropathy; NEUROPATHY, DISTAL HEREDITARY MOTOR, AUTOSOMAL RECESSIVE 5. Identifiers: Orphanet 314485, Orphanet 443950, MedGen C4749918, MONDO:0013947, OMIM 614881.

Allele frequency attached by ClinVar (database versions not stated): gnomAD exomes 0.00001 and 0.00002; gnomAD 0.00002; ExAC 0.00001; TOPMed 0.00002.

Submission:

Labcorp Genetics (formerly Invitae), Labcorp
Classification: Uncertain significance for Neuronopathy, distal hereditary motor, autosomal recessive 5. Last evaluated: 2020-05-20. Review status: criteria provided, single submitter. Criteria: Invitae Variant Classification Sherloc (09022015). Collection method: clinical testing. Allele origin: germline.
Comment: This sequence change replaces phenylalanine with leucine at codon 137 of the DNAJB2 protein (p.Phe137Leu). The phenylalanine residue is moderately conserved and there is a small physicochemical difference between phenylalanine and leucine. This variant is present in population databases (rs770337874, ExAC 0.002%). This variant has not been reported in the literature in individuals with DNAJB2-related conditions. Algorithms developed to predict the effect of missense changes on protein structure and function (SIFT, PolyPhen-2, Align-GVGD) all suggest that this variant is likely to be tolerated, but these predictions have not been confirmed by published functional studies and their clinical significance is uncertain. In summary, the available evidence is currently insufficient to determine the role of this variant in disease. Therefore, it has been classified as a Variant of Uncertain Significance.

NM_006736.6(DNAJB2):c.411C>G (p.Phe137Leu)

Gene: DNAJB2 (DnaJ heat shock protein family (Hsp40) member B2; plus strand). Cytogenetic location: 2q35.
Variant type: single nucleotide variant.
Coding change: c.411C>G on transcript NM_006736.6 (MANE Select); coding-DNA position 411, C replaced by G.
Protein change: p.Phe137Leu; replaces phenylalanine 137 with leucine.
Molecular consequence: missense variant.
Genome position (GRCh38, 1-based): chr2:219,282,895, C>G. VCF-style: chr2-219282895-C-G. GRCh37 (hg19) VCF-style: chr2-220147617-C-G.
Other names: c.411C>G, p.Phe137Leu (NM_001039550.2); short protein forms F137L.
Identifiers: ClinVar variation 1018274 (VCV001018274.9), dbSNP rs770337874, ClinGen allele CA2122966.